The following is an entry in ClinVar:

NM_000179.3(MSH6):c.4073_4082del (p.Lys1358fs)

Gene: MSH6 (mutS homolog 6; plus strand). Cytogenetic location: 2p16.3.
Variant type: Deletion.
Coding change: c.4073_4082del on transcript NM_000179.3 (MANE Select); coding-DNA positions 4073 to 4082, 10 bases deleted (AGGAATTATA; older notation c.4073_4082delAGGAATTATA).
Protein change: p.Lys1358fs; shifts the reading frame from lysine 1358.
Molecular consequence: frameshift variant.
Genome position (GRCh38, 1-based): chr2:47,806,850-47,806,859, AGGAATTATA deleted; deleting any 10 consecutive bases within chr2:47,806,848-47,806,859 gives the same sequence; the c. name uses the placement nearest the transcript's 3' end. VCF-style (leftmost placement, unchanged base first): chr2-47806847-TTAAGGAATTA-T. GRCh37 (hg19) VCF-style: chr2-48033986-TTAAGGAATTA-T.
Other names: c.3683_3692del, p.Lys1228fs (NM_001281492.2); c.3167_3176del, p.Lys1056fs (NM_001281493.2, NM_001281494.2); short protein forms K1228fs, K1056fs, K1358fs.
Identifiers: ClinVar variation 918555 (VCV000918555.10), dbSNP rs1670226421, ClinGen allele CA1139656957.

ClinVar aggregate classification (germline): Uncertain significance. Review status: criteria provided, multiple submitters, no conflicts (2 of 4 stars). 2 submissions from 2 submitters: Uncertain significance (2). Last evaluated 2020-09-17.

Conditions:
Hereditary cancer-predisposing syndrome. Also called: Neoplastic Syndromes, Hereditary; Tumor predisposition; Hereditary Cancer Syndrome; Hereditary neoplastic syndrome. Identifiers: Orphanet 140162, MedGen C0027672, MeSH D009386, MONDO:0015356.
Hereditary nonpolyposis colorectal neoplasms. Identifiers: MedGen C0009405, MeSH D003123.

Submissions (2):

Labcorp Genetics (formerly Invitae), Labcorp
Classification: Uncertain significance for Hereditary nonpolyposis colorectal neoplasms. Last evaluated: 2020-09-17. Review status: criteria provided, single submitter. Criteria: Invitae Variant Classification Sherloc (09022015). Collection method: clinical testing. Allele origin: germline.
Comment: This sequence change results in a frameshift in the MSH6 gene (p.Lys1358Argfs*10). While this is not anticipated to result in nonsense mediated decay, it is expected to disrupt the last 3 amino acids of the MSH6 protein and extend the protein by an additional 6 amino acids. This variant is not present in population databases (ExAC no frequency). This variant has not been reported in the literature in individuals with MSH6-related conditions. ClinVar contains an entry for this variant (Variation ID: 918555). Experimental studies and prediction algorithms are not available or were not evaluated, and the functional significance of this variant is currently unknown. In summary, the available evidence is currently insufficient to determine the role of this variant in disease. Therefore, it has been classified as a Variant of Uncertain Significance.

Color Diagnostics, LLC DBA Color Health
Classification: Uncertain significance for Hereditary cancer-predisposing syndrome. Last evaluated: 2019-07-25. Review status: criteria provided, single submitter. Criteria: ACMG Guidelines, 2015. Collection method: clinical testing. Allele origin: germline.
Comment: This variant deletes 10 nucleotides in exon 10 of the MSH6 gene, creating a frameshift and extending the overall length of the variant protein by 6 amino acids compared to the reference protein. Computational splicing tools suggest that this variant may not impact RNA splicing. To our knowledge, functional assays have not been performed for this variant nor has this variant been reported in individuals affected with hereditary cancer in the literature. This variant has not been identified in the general population by the Genome Aggregation Database (gnomAD). Available evidence is insufficient to determine the role of this variant in disease conclusively. Therefore, this variant is classified as a Variant of Uncertain Significance.